The following is an entry in ClinVar:

ClinVar aggregate classification (germline): Uncertain significance (1 of 4 stars; one submission).

Submission:

Labcorp Genetics (formerly Invitae), Labcorp
Classification: Uncertain significance. Last evaluated: 2025-03-04. Review status: criteria provided, single submitter. Criteria: Invitae Variant Classification Sherloc (09022015). Collection method: clinical testing. Allele origin: germline.
Comment: This sequence change replaces alanine, which is neutral and non-polar, with valine, which is neutral and non-polar, at codon 639 of the TCF3 protein (p.Ala639Val). This variant is not present in population databases (gnomAD no frequency). This variant has not been reported in the literature in individuals affected with TCF3-related conditions. Invitae Evidence Modeling of protein sequence and biophysical properties (such as structural, functional, and spatial information, amino acid conservation, physicochemical variation, residue mobility, and thermodynamic stability) indicates that this missense variant is not expected to disrupt TCF3 protein function with a negative predictive value of 80%. In summary, the available evidence is currently insufficient to determine the role of this variant in disease. Therefore, it has been classified as a Variant of Uncertain Significance.

NM_003200.5(TCF3):c.1916C>T (p.Ala639Val)

Gene: TCF3 (transcription factor 3; minus strand). Cytogenetic location: 19p13.3.
Variant type: single nucleotide variant.
Coding change: c.1916C>T on transcript NM_003200.5 (MANE Select); coding-DNA position 1916, C replaced by T.
Protein change: p.Ala639Val; replaces alanine 639 with valine.
Molecular consequence: missense variant.
Genome position (GRCh38, 1-based): chr19:1,611,756, G>A on the plus strand (C>T on the coding strand, the complement: TCF3 is on the minus strand). VCF-style: chr19-1611756-G-A. GRCh37 (hg19) VCF-style: chr19-1611755-G-A.
Other names: c.1907C>T, p.Ala636Val (NM_001136139.4, NM_001351779.2); c.1913C>T, p.Ala638Val (NM_001351778.2); short protein forms A638V, A636V, A639V.
Identifiers: ClinVar variation 4772456 (VCV004772456.1).